The following is an entry in ClinVar:

ClinVar aggregate classification (germline): Uncertain significance (1 of 4 stars; one submission).

Conditions:
Inborn genetic diseases. Identifiers: MedGen C0950123, MeSH D030342.

Submission:

Ambry Genetics
Classification: Uncertain significance for Inborn genetic diseases. Last evaluated: 2025-06-20. Review status: criteria provided, single submitter. Criteria: Ambry Variant Classification Scheme 2023. Collection method: clinical testing. Allele origin: germline.
Comment: The p.D357E variant (also known as c.1071C>G), located in coding exon 11 of the ASXL1 gene, results from a C to G substitution at nucleotide position 1071. The aspartic acid at codon 357 is replaced by glutamic acid, an amino acid with highly similar properties. This amino acid position is conserved. In addition, this alteration is predicted to be tolerated by in silico analysis. Based on the available evidence, the clinical significance of this variant remains unclear.

NM_015338.6(ASXL1):c.1071C>G (p.Asp357Glu)

Gene: ASXL1 (ASXL transcriptional regulator 1; plus strand). Cytogenetic location: 20q11.21.
Variant type: single nucleotide variant.
Coding change: c.1071C>G on transcript NM_015338.6 (MANE Select); coding-DNA position 1071, C replaced by G.
Protein change: p.Asp357Glu; replaces aspartic acid 357 with glutamic acid.
Molecular consequence: missense variant.
Genome position (GRCh38, 1-based): chr20:32,432,971, C>G. VCF-style: chr20-32432971-C-G. GRCh37 (hg19) VCF-style: chr20-31020774-C-G.
Other names: c.888C>G, p.Asp296Glu (NM_001363734.1); short protein forms D357E, D296E.
Identifiers: ClinVar variation 4157742 (VCV004157742.1).
Genomic context (GRCh38, chr20:32,432,971, plus strand): 5'-ACGACAGGAAATGGAGAAGGAAAAGAAGGTGGAACAATGGAAAGAAAAGTTCTTTGAAGA[C>G]TACTATGGACAGAAGTAAGGCAGTTGGAGCTATGAGTCCTGGTCTGGGGTTTTGAGGGGA-3'
Protein context (NP_056153.2, residues 347-367): VEQWKEKFFE[Asp357Glu]YYGQKLGLTK